The following is an entry in ClinVar:

NM_004715.5(CTDP1):c.172G>T (p.Ala58Ser)

Gene: CTDP1 (CTD phosphatase subunit 1; plus strand). Cytogenetic location: 18q23.
Variant type: single nucleotide variant.
Coding change: c.172G>T on transcript NM_004715.5 (MANE Select); coding-DNA position 172, G replaced by T.
Protein change: p.Ala58Ser; replaces alanine 58 with serine.
Molecular consequence: missense variant.
Genome position (GRCh38, 1-based): chr18:79,680,119, G>T. VCF-style: chr18-79680119-G-T. GRCh37 (hg19) VCF-style: chr18-77440119-G-T.
Other names: c.172G>T, p.Ala58Ser (NM_001318511.2, NM_048368.4); short protein forms A58S.
Identifiers: ClinVar variation 2187909 (VCV002187909.4), dbSNP rs1273651504, ClinGen allele CA402825104.

ClinVar aggregate classification (germline): Uncertain significance. Review status: criteria provided, multiple submitters, no conflicts (2 of 4 stars). 2 submissions from 2 submitters: Uncertain significance (2). Last evaluated 2023-11-27.

Allele frequency attached by ClinVar (database versions not stated): gnomAD exomes below 0.00001; gnomAD 0.00003; TOPMed 0.00005; 1000 Genomes Project 30x 0.00016.
gnomAD v4.1: 6 of 1,423,930 alleles (0.00042%); highest among the groups gnomAD compares: Admixed American, 0.01%; no homozygotes.

Submissions (2):

Ambry Genetics
Classification: Uncertain significance. Last evaluated: 2023-11-27. Review status: criteria provided, single submitter. Criteria: Ambry Variant Classification Scheme 2023. Collection method: clinical testing. Allele origin: germline.

Labcorp Genetics (formerly Invitae), Labcorp
Classification: Uncertain significance. Last evaluated: 2022-08-01. Review status: criteria provided, single submitter. Criteria: Invitae Variant Classification Sherloc (09022015). Collection method: clinical testing. Allele origin: germline.
Comment: In summary, the available evidence is currently insufficient to determine the role of this variant in disease. Therefore, it has been classified as a Variant of Uncertain Significance. Algorithms developed to predict the effect of missense changes on protein structure and function (SIFT, PolyPhen-2, Align-GVGD) all suggest that this variant is likely to be tolerated. This variant has not been reported in the literature in individuals affected with CTDP1-related conditions. This variant is not present in population databases (gnomAD no frequency). This sequence change replaces alanine, which is neutral and non-polar, with serine, which is neutral and polar, at codon 58 of the CTDP1 protein (p.Ala58Ser).